The following is an entry in ClinVar:

ClinVar aggregate classification (germline): Pathogenic (1 of 4 stars; one submission).

Conditions:
Bardet-Biedl syndrome (BBS). Identifiers: Orphanet 110, MedGen C0752166, MONDO:0015229.

Submission:

Labcorp Genetics (formerly Invitae), Labcorp
Classification: Pathogenic for Bardet-Biedl syndrome. Last evaluated: 2023-09-29. Review status: criteria provided, single submitter. Criteria: Invitae Variant Classification Sherloc (09022015). Collection method: clinical testing. Allele origin: germline.
Comment: For these reasons, this variant has been classified as Pathogenic. This variant disrupts a region of the TRIM32 protein in which other variant(s) (p.Val591Met) have been determined to be pathogenic (PMID: 30823891). This suggests that this is a clinically significant region of the protein, and that variants that disrupt it are likely to be disease-causing. This variant has not been reported in the literature in individuals affected with TRIM32-related conditions. This variant is not present in population databases (gnomAD no frequency). This sequence change creates a premature translational stop signal (p.Lys167Argfs*55) in the TRIM32 gene. While this is not anticipated to result in nonsense mediated decay, it is expected to disrupt the last 487 amino acid(s) of the TRIM32 protein.

Literature cited by the submitters: PubMed 30823891.

NM_012210.4(TRIM32):c.498del (p.Lys167fs)

Genes: ASTN2 (astrotactin 2; minus strand), TRIM32 (tripartite motif containing 32; plus strand). Cytogenetic location: 9q33.1.
Variant type: Deletion.
Coding change: c.498del on transcript NM_012210.4 (MANE Select); coding-DNA position 498, one base deleted (G; older notation c.498delG).
Protein change: p.Lys167fs; shifts the reading frame from lysine 167.
Molecular consequence: frameshift variant. On other transcripts: intron variant (3).
Genome position (GRCh38, 1-based): chr9:116,698,240, G deleted; the last of 2 consecutive G bases (chr9:116,698,239-116,698,240); deleting either gives the same sequence. VCF-style (leftmost placement, unchanged base first): chr9-116698238-CG-C. GRCh37 (hg19) VCF-style: chr9-119460517-CG-C.
Other names: c.498del, p.Lys167fs (NM_001099679.2, NM_001379048.1, NM_001379049.1 and 1 more transcripts); c.2653+27532del (NM_014010.5); c.2794+27532del (NM_001365069.1); c.2806+27532del (NM_001365068.1); short protein forms K167fs.
Identifiers: ClinVar variation 2813433 (VCV002813433.3), dbSNP rs2491060192, ClinGen allele CA2739265016.